The following is an entry in ClinVar:

ClinVar aggregate classification (germline): Likely benign. Review status: criteria provided, multiple submitters, no conflicts (2 of 4 stars). 2 submissions from 2 submitters: Likely benign (2). Last evaluated 2025-12-08.

Conditions:
EPHB4-related disorder. Also called: EPHB4-related condition; EPHB4-related disorders.
Cardiovascular phenotype. Identifiers: MedGen CN230736.

Allele frequency attached by ClinVar (database versions not stated): TOPMed below 0.00001; ExAC 0.00001; gnomAD exomes 0.00001.
gnomAD v4.1: 10 of 1,614,228 alleles (0.00062%); highest among the groups gnomAD compares: Middle Eastern, 0.016%; no homozygotes.

Submissions (2):

PreventionGenetics, part of Exact Sciences
Classification: Likely benign for EPHB4-related condition. Last evaluated: 2025-12-08. Review status: criteria provided, single submitter. Criteria: ACMG Guidelines, 2015. Collection method: clinical testing. Allele origin: germline.
Comment: This variant is classified as likely benign based on ACMG/AMP sequence variant interpretation guidelines (Richards et al. 2015 PMID: 25741868, with internal and published modifications).

Ambry Genetics
Classification: Likely benign for Cardiovascular phenotype. Last evaluated: 2020-06-24. Review status: criteria provided, single submitter. Criteria: Ambry Variant Classification Scheme 2023. Collection method: clinical testing. Allele origin: germline.

NM_004444.5(EPHB4):c.2043C>T (p.Gly681=)

Gene: EPHB4 (EPH receptor B4; minus strand). Cytogenetic location: 7q22.1.
Variant type: single nucleotide variant.
Coding change: c.2043C>T on transcript NM_004444.5 (MANE Select); coding-DNA position 2043, C replaced by T.
Protein change: p.Gly681=; no amino-acid change (glycine 681 retained).
Molecular consequence: synonymous variant.
Genome position (GRCh38, 1-based): chr7:100,812,822, G>A on the plus strand (C>T on the coding strand, the complement: EPHB4 is on the minus strand). VCF-style: chr7-100812822-G-A. GRCh37 (hg19) VCF-style: chr7-100410444-G-A.
Identifiers: ClinVar variation 1784939 (VCV001784939.3), dbSNP rs200520910, ClinGen allele CA4392758.